The following is an entry in ClinVar:

ClinVar aggregate classification (germline): Uncertain significance (1 of 4 stars; one submission).

Allele frequency attached by ClinVar (database versions not stated): gnomAD exomes below 0.00001; TOPMed below 0.00001; gnomAD 0.00001.
gnomAD v4.1: 3 of 1,536,028 alleles (0.0002%); highest among the groups gnomAD compares: Non-Finnish European, 0.00026%; no homozygotes.

Submission:

Labcorp Genetics (formerly Invitae), Labcorp
Classification: Uncertain significance. Last evaluated: 2022-07-12. Review status: criteria provided, single submitter. Criteria: Invitae Variant Classification Sherloc (09022015). Collection method: clinical testing. Allele origin: germline.
Comment: In summary, the available evidence is currently insufficient to determine the role of this variant in disease. Therefore, it has been classified as a Variant of Uncertain Significance. Algorithms developed to predict the effect of sequence changes on RNA splicing suggest that this variant may disrupt the consensus splice site. ClinVar contains an entry for this variant (Variation ID: 1067444). This variant has not been reported in the literature in individuals affected with ARMC9-related conditions. This variant is not present in population databases (gnomAD no frequency). This sequence change affects an acceptor splice site in intron 21 of the ARMC9 gene. However, it is currently unclear if variants that occur in this region of the gene cause disease.

NM_001352754.2(ARMC9):c.2132-2A>T

Genes: ARMC9 (armadillo repeat containing 9; plus strand), LOC122861306 (Sharpr-MPRA regulatory region 9410; plus strand). Cytogenetic location: 2q37.1.
Variant type: single nucleotide variant.
Coding change: c.2132-2A>T on transcript NM_001352754.2 (MANE Select); the canonical splice acceptor site of the intron before coding-DNA position 2132, A replaced by T.
Molecular consequence: splice acceptor variant.
Genome position (GRCh38, 1-based): chr2:231,360,752, A>T. VCF-style: chr2-231360752-A-T. GRCh37 (hg19) VCF-style: chr2-232225464-A-T.
Other names: c.2132-2A>T (NM_001271466.4).
Identifiers: ClinVar variation 1067444 (VCV001067444.7), dbSNP rs1220581324, ClinGen allele CA350958008.